The following is an entry in ClinVar:

ClinVar aggregate classification (germline): Uncertain significance (1 of 4 stars; one submission).

Conditions:
Cardiovascular phenotype. Identifiers: MedGen CN230736.

gnomAD v4.1: 2 of 1,601,612 alleles (0.00012%); highest among the groups gnomAD compares: Admixed American, 0.0017%; no homozygotes.

Submission:

Ambry Genetics
Classification: Uncertain significance for Cardiovascular phenotype. Last evaluated: 2026-08-22. Review status: criteria provided, single submitter. Criteria: Ambry Variant Classification Scheme 2023. Collection method: clinical testing. Allele origin: germline.
Comment: The p.K392R variant (also known as c.1175A>G), located in coding exon 10 of the PRDM5 gene, results from an A to G substitution at nucleotide position 1175. The lysine at codon 392 is replaced by arginine, an amino acid with highly similar properties. This amino acid position is conserved. In addition, this alteration is predicted to be tolerated by in silico analysis. Based on the available evidence, the clinical significance of this variant remains unclear.

NM_018699.4(PRDM5):c.1175A>G (p.Lys392Arg)

Gene: PRDM5 (PR/SET domain 5; minus strand). Cytogenetic location: 4q27.
Variant type: single nucleotide variant.
Coding change: c.1175A>G on transcript NM_018699.4 (MANE Select); coding-DNA position 1175, A replaced by G.
Protein change: p.Lys392Arg; replaces lysine 392 with arginine.
Molecular consequence: missense variant.
Genome position (GRCh38, 1-based): chr4:120,798,280, T>C on the plus strand (A>G on the coding strand, the complement: PRDM5 is on the minus strand). VCF-style: chr4-120798280-T-C. GRCh37 (hg19) VCF-style: chr4-121719435-T-C.
Other names: c.1082A>G, p.Lys361Arg (NM_001300823.2, NM_001300824.2, NM_001379106.1); c.1208A>G, p.Lys403Arg (NM_001379104.1); short protein forms K361R, K392R, K403R.
Identifiers: ClinVar variation 5027267 (VCV005027267.1).
Genomic context (GRCh38, chr4:120,798,280, plus strand): 5'-ACAGCAGCAAATTCATAAAAAATAATAATAATATTAATAAGTTTTACCTTCTTATGATTC[T>C]TGTAAACATTTCTGTGGGCAAATCCCTTTCCACAAAGTTTGCATTTGTAAGGTTTGTCTT-3'
Protein context (NP_061169.2, residues 382-402): GKGFAHRNVY[Lys392Arg]NHKKTHSEER